The following is an entry in ClinVar:

NM_014921.5(ADGRL1):c.793C>G (p.Leu265Val)

Genes: ADGRL1-AS1 (ADGRL1 antisense RNA 1; plus strand), ADGRL1 (adhesion G protein-coupled receptor L1; minus strand). Cytogenetic location: 19p13.12.
Variant type: single nucleotide variant.
Coding change: c.793C>G on transcript NM_014921.5 (MANE Select); coding-DNA position 793, C replaced by G.
Protein change: p.Leu265Val; replaces leucine 265 with valine.
Molecular consequence: missense variant.
Genome position (GRCh38, 1-based): chr19:14,163,008, G>C on the plus strand (C>G on the coding strand, the complement: ADGRL1 is on the minus strand). VCF-style: chr19-14163008-G-C. GRCh37 (hg19) VCF-style: chr19-14273820-G-C.
Other names: c.808C>G, p.Leu270Val (NM_001008701.3); short protein forms L265V, L270V.
Identifiers: ClinVar variation 4886073 (VCV004886073.2).

ClinVar aggregate classification (germline): Uncertain significance (1 of 4 stars; one submission).

Submission:

Dasa
Classification: Uncertain significance. Last evaluated: 2025-01-29. Review status: criteria provided, single submitter. Criteria: DASA Assertion Criteria. Collection method: clinical testing. Allele origin: germline.
Comment: NM_014921.5(ADGRL1):c.793C>G (p.Leu265Val) is a missense variant that results in the substitution of leucine with valine. This variant is absent from population databases. Computational prediction algorithms are consistent with a deleterious effect. The currently available literature and clinical evidence are not sufficient to establish a definitive association between this variant and the reported condition. Therefore, this variant is classified as a variant of uncertain significance.